The following is an entry in ClinVar:

NM_001190274.2(FBXO11):c.1070A>C (p.His357Pro)

Gene: FBXO11 (F-box protein 11; minus strand). Cytogenetic location: 2p16.3.
Variant type: single nucleotide variant.
Coding change: c.1070A>C on transcript NM_001190274.2 (MANE Select); coding-DNA position 1070, A replaced by C.
Protein change: p.His357Pro; replaces histidine 357 with proline.
Molecular consequence: missense variant.
Genome position (GRCh38, 1-based): chr2:47,832,852, T>G on the plus strand (A>C on the coding strand, the complement: FBXO11 is on the minus strand). VCF-style: chr2-47832852-T-G. GRCh37 (hg19) VCF-style: chr2-48059991-T-G.
Other names: c.818A>C, p.His273Pro (NM_001374325.1, NM_025133.4); short protein forms H273P, H357P.
Identifiers: ClinVar variation 1305996 (VCV001305996.2), dbSNP rs998477796, ClinGen allele CA46743128.

ClinVar aggregate classification (germline): Uncertain significance (1 of 4 stars; one submission).

Allele frequency attached by ClinVar (database versions not stated): TOPMed below 0.00001; gnomAD exomes 0.00001.

Submission:

GeneDx
Classification: Uncertain significance. Last evaluated: 2019-06-05. Review status: criteria provided, single submitter. Criteria: GeneDx Variant Classification Process June 2021. Collection method: clinical testing. Allele origin: germline. Affected: yes.
Comment: Not observed in large population cohorts (Lek et al., 2016); In silico analysis, which includes protein predictors and evolutionary conservation, supports that this variant does not alter protein structure/function; Has not been previously published as pathogenic or benign to our knowledge